The following is an entry in ClinVar:

NM_004370.6(COL12A1):c.2683C>G (p.Leu895Val)

Gene: COL12A1 (collagen type XII alpha 1 chain; minus strand). Cytogenetic location: 6q13.
Variant type: single nucleotide variant.
Coding change: c.2683C>G on transcript NM_004370.6 (MANE Select); coding-DNA position 2683, C replaced by G.
Protein change: p.Leu895Val; replaces leucine 895 with valine.
Molecular consequence: missense variant. On other transcripts: intron variant (3).
Genome position (GRCh38, 1-based): chr6:75,175,065, G>C on the plus strand (C>G on the coding strand, the complement: COL12A1 is on the minus strand). VCF-style: chr6-75175065-G-C. GRCh37 (hg19) VCF-style: chr6-75884781-G-C.
Other names: c.2683C>G, p.Leu895Val (NM_001424113.1, NM_001424114.1); c.74-22583C>G (NM_001424116.1, NM_080645.3); c.2437+2598C>G (NM_001424115.1); short protein forms L895V.
Identifiers: ClinVar variation 2951249 (VCV002951249.4), dbSNP rs767244546, ClinGen allele CA3893913.

ClinVar aggregate classification (germline): Uncertain significance. Review status: criteria provided, multiple submitters, no conflicts (2 of 4 stars). 2 submissions from 2 submitters: Uncertain significance (2). Last evaluated 2025-06-30.

Conditions:
Ullrich congenital muscular dystrophy 2 (UCMD2). Identifiers: Orphanet 75840, MedGen C4225314, MONDO:0014654, OMIM 616470.
Bethlem myopathy 2 (BTHLM2). Identifiers: Orphanet 536516, Orphanet 610, MedGen C4225313, MONDO:0034022, OMIM 616471.

Allele frequency attached by ClinVar (database versions not stated): gnomAD exomes 0.00001; TOPMed 0.00001; ExAC 0.00001.
gnomAD v4.1: 9 of 1,614,072 alleles (0.00056%); highest among the groups gnomAD compares: Non-Finnish European, 0.00068%; no homozygotes.

Submissions (2):

Labcorp Genetics (formerly Invitae), Labcorp
Classification: Uncertain significance for Bethlem myopathy 2; Ullrich congenital muscular dystrophy 2. Last evaluated: 2025-06-30. Review status: criteria provided, single submitter. Criteria: Invitae Variant Classification Sherloc (09022015). Collection method: clinical testing. Allele origin: germline.
Comment: This sequence change replaces leucine, which is neutral and non-polar, with valine, which is neutral and non-polar, at codon 895 of the COL12A1 protein (p.Leu895Val). This variant is present in population databases (rs767244546, gnomAD 0.004%). This variant has not been reported in the literature in individuals affected with COL12A1-related conditions. ClinVar contains an entry for this variant (Variation ID: 2951249). Invitae Evidence Modeling of protein sequence and biophysical properties (such as structural, functional, and spatial information, amino acid conservation, physicochemical variation, residue mobility, and thermodynamic stability) has been performed for this missense variant. However, the output from this modeling did not meet the statistical confidence thresholds required to predict the impact of this variant on COL12A1 protein function. In summary, the available evidence is currently insufficient to determine the role of this variant in disease. Therefore, it has been classified as a Variant of Uncertain Significance.

Revvity Omics, Revvity
Classification: Uncertain significance. Last evaluated: 2024-05-15. Review status: criteria provided, single submitter. Criteria: ACMG Guidelines, 2015. Collection method: clinical testing. Allele origin: germline.